The following is an entry in ClinVar:

ClinVar aggregate classification (germline): Likely benign. Review status: criteria provided, multiple submitters, no conflicts (2 of 4 stars). 6 submissions from 6 submitters: Likely benign (6). Last evaluated 2025-12-23.

Conditions:
Cardiovascular phenotype. Identifiers: MedGen CN230736.

Allele frequency attached by ClinVar (database versions not stated): gnomAD exomes 0.00007 and 0.00012; ExAC 0.00009; ESP Exome Variant Server 0.00013; gnomAD 0.00015; 1000 Genomes Project 30x 0.00016; 1000 Genomes Project 0.00020.
gnomAD v4.1: 127 of 1,613,134 alleles (0.0079%); highest among the groups gnomAD compares: Admixed American, 0.07%; no homozygotes.

Submissions (6):

Labcorp Genetics (formerly Invitae), Labcorp
Classification: Likely benign. Last evaluated: 2025-12-23. Review status: criteria provided, single submitter. Criteria: Invitae Variant Classification Sherloc (09022015). Collection method: clinical testing. Allele origin: germline.

CeGaT Center for Human Genetics Tuebingen
Classification: Likely benign. Last evaluated: 2025-09-01. Review status: criteria provided, single submitter. Criteria: CeGaT Center For Human Genetics Tuebingen Variant Classification Criteria Version 2. Collection method: clinical testing. Allele origin: germline. Affected: yes. Observed: 1 variant allele.
Comment: TNXB: BP4, BP7

Mayo Clinic Laboratories, Mayo Clinic
Classification: Likely benign. Last evaluated: 2025-08-13. Review status: criteria provided, single submitter. Criteria: ACMG Guidelines, 2015. Collection method: clinical testing. Allele origin: germline. Observed: 1 variant allele.
Comment: BP4, BP7

Women's Health and Genetics/Laboratory Corporation of America, LabCorp
Classification: Likely benign. Last evaluated: 2025-07-09. Review status: criteria provided, single submitter. Criteria: LabCorp Variant Classification Summary - May 2015. Collection method: clinical testing. Allele origin: germline.

Ambry Genetics
Classification: Likely benign for Cardiovascular phenotype. Last evaluated: 2022-04-03. Review status: criteria provided, single submitter. Criteria: Ambry Variant Classification Scheme 2023. Collection method: clinical testing. Allele origin: germline.

GeneDx
Classification: Likely benign. Last evaluated: 2020-12-07. Review status: criteria provided, single submitter. Criteria: GeneDx Variant Classification Process June 2021. Collection method: clinical testing. Allele origin: germline. Affected: yes.

NM_001365276.2(TNXB):c.7116C>T (p.Tyr2372=)

Gene: TNXB (tenascin XB; minus strand). Cytogenetic location: 6p21.33.
Variant type: single nucleotide variant.
Coding change: c.7116C>T on transcript NM_001365276.2 (MANE Select); coding-DNA position 7116, C replaced by T.
Protein change: p.Tyr2372=; no amino-acid change (tyrosine 2372 retained).
Molecular consequence: synonymous variant.
Genome position (GRCh38, 1-based): chr6:32,062,209, G>A on the plus strand (C>T on the coding strand, the complement: TNXB is on the minus strand). VCF-style: chr6-32062209-G-A. GRCh37 (hg19) VCF-style: chr6-32029986-G-A.
Other names: p.Tyr2372=; c.7116C>T, p.Tyr2372= (NM_019105.8).
Identifiers: ClinVar variation 1216658 (VCV001216658.15), dbSNP rs368613736, ClinGen allele CA3734256.